The following is an entry in ClinVar:

ClinVar aggregate classification (germline): Uncertain significance (1 of 4 stars; one submission).

Submission:

Labcorp Genetics (formerly Invitae), Labcorp
Classification: Uncertain significance. Last evaluated: 2022-12-18. Review status: criteria provided, single submitter. Criteria: Invitae Variant Classification Sherloc (09022015). Collection method: clinical testing. Allele origin: germline.
Comment: This sequence change replaces glycine, which is neutral and non-polar, with valine, which is neutral and non-polar, at codon 647 of the OPA1 protein (p.Gly647Val). This variant is not present in population databases (gnomAD no frequency). This variant has not been reported in the literature in individuals affected with OPA1-related conditions. ClinVar contains an entry for this variant (Variation ID: 1362122). Advanced modeling of protein sequence and biophysical properties (such as structural, functional, and spatial information, amino acid conservation, physicochemical variation, residue mobility, and thermodynamic stability) performed at Invitae indicates that this missense variant is not expected to disrupt OPA1 protein function. In summary, the available evidence is currently insufficient to determine the role of this variant in disease. Therefore, it has been classified as a Variant of Uncertain Significance.

NM_130837.3(OPA1):c.2105G>T (p.Gly702Val)

Gene: OPA1 (OPA1 mitochondrial dynamin like GTPase; plus strand). Cytogenetic location: 3q29.
Variant type: single nucleotide variant.
Coding change: c.2105G>T on transcript NM_130837.3 (MANE Select); coding-DNA position 2105, G replaced by T.
Protein change: p.Gly702Val; replaces glycine 702 with valine.
Molecular consequence: missense variant.
Genome position (GRCh38, 1-based): chr3:193,654,954, G>T. VCF-style: chr3-193654954-G-T. GRCh37 (hg19) VCF-style: chr3-193372743-G-T.
Other names: c.1571G>T, p.Gly524Val (NM_001354663.2); c.1568G>T, p.Gly523Val (NM_001354664.2); c.1940G>T, p.Gly647Val (NM_015560.3); c.1832G>T, p.Gly611Val (NM_130831.3); c.1886G>T, p.Gly629Val (NM_130832.3); c.1943G>T, p.Gly648Val (NM_130833.3); c.1994G>T, p.Gly665Val (NM_130834.3); c.1997G>T, p.Gly666Val (NM_130835.3); and 1 more; short protein forms G524V, G647V, G648V, G666V, G523V, G611V, G629V, G665V.
Identifiers: ClinVar variation 1362122 (VCV001362122.6), dbSNP rs2109139264, ClinGen allele CA355791173.